The following is an entry in ClinVar:

ClinVar aggregate classification (germline): Uncertain significance (1 of 4 stars; one submission).

Conditions:
Cardiovascular phenotype. Identifiers: MedGen CN230736.

gnomAD v4.1: 2 of 1,611,654 alleles (0.00012%); highest among the groups gnomAD compares: Non-Finnish European, 0.00017%; no homozygotes.

Submission:

Ambry Genetics
Classification: Uncertain significance for Cardiovascular phenotype. Last evaluated: 2025-02-13. Review status: criteria provided, single submitter. Criteria: Ambry Variant Classification Scheme 2023. Collection method: clinical testing. Allele origin: germline.
Comment: The p.K1559R variant (also known as c.4676A>G), located in coding exon 31 of the MYH6 gene, results from an A to G substitution at nucleotide position 4676. The lysine at codon 1559 is replaced by arginine, an amino acid with highly similar properties. This amino acid position is conserved. In addition, the in silico prediction for this alteration is inconclusive. Based on the available evidence, the clinical significance of this variant remains unclear.

NM_002471.4(MYH6):c.4676A>G (p.Lys1559Arg)

Genes: MYH6 (myosin heavy chain 6; minus strand), LOC126861896 (BRD4-independent group 4 enhancer GRCh37_chr14:23854904-23856103; plus strand). Cytogenetic location: 14q11.2.
Variant type: single nucleotide variant.
Coding change: c.4676A>G on transcript NM_002471.4 (MANE Select); coding-DNA position 4676, A replaced by G.
Protein change: p.Lys1559Arg; replaces lysine 1559 with arginine.
Molecular consequence: missense variant.
Genome position (GRCh38, 1-based): chr14:23,386,598, T>C on the plus strand (A>G on the coding strand, the complement: MYH6 is on the minus strand). VCF-style: chr14-23386598-T-C. GRCh37 (hg19) VCF-style: chr14-23855807-T-C.
Other names: short protein forms K1559R.
Identifiers: ClinVar variation 3876454 (VCV003876454.1).